The following is an entry in ClinVar:

NM_032581.4(HYCC1):c.636T>C (p.Val212=)

Gene: HYCC1 (hyccin PI4KA lipid kinase complex subunit 1; minus strand). Cytogenetic location: 7p15.3.
Variant type: single nucleotide variant.
Coding change: c.636T>C on transcript NM_032581.4 (MANE Select); coding-DNA position 636, T replaced by C.
Protein change: p.Val212=; no amino-acid change (valine 212 retained).
Molecular consequence: synonymous variant.
Genome position (GRCh38, 1-based): chr7:22,964,522, A>G on the plus strand (T>C on the coding strand, the complement: HYCC1 is on the minus strand). VCF-style: chr7-22964522-A-G. GRCh37 (hg19) VCF-style: chr7-23004141-A-G.
Other names: p.Val212=; c.636T>C, p.Val212= (NM_001363466.2, NM_001363467.2).
Identifiers: ClinVar variation 697986 (VCV000697986.14), dbSNP rs139293438, ClinGen allele CA4185945.

ClinVar aggregate classification (germline): Benign/Likely benign. Review status: criteria provided, multiple submitters, no conflicts (2 of 4 stars). 4 submissions from 4 submitters: Benign (3); Likely benign (1). Last evaluated 2026-04-01.

Conditions:
Hypomyelination and Congenital Cataract (HLD5). Also called: hypomyelinating leukodystrophy 5. Identifiers: Orphanet 85163, MedGen C1864663, MONDO:0012514, OMIM 610532.

Allele frequency attached by ClinVar (database versions not stated): gnomAD exomes 0.00052; ExAC 0.00064; 1000 Genomes Project 30x 0.00094; 1000 Genomes Project 0.00120; gnomAD 0.00169 and 0.00183; TOPMed 0.00200; ESP Exome Variant Server 0.00208.
gnomAD v4.1: 490 of 1,585,286 alleles (0.031%); highest among the groups gnomAD compares: African/African-American, 0.57%; 4 homozygotes.

Submissions (4):

CeGaT Center for Human Genetics Tuebingen
Classification: Likely benign. Last evaluated: 2026-04-01. Review status: criteria provided, single submitter. Criteria: CeGaT Center For Human Genetics Tuebingen Variant Classification Criteria Version 2. Collection method: clinical testing. Allele origin: germline. Affected: yes. Observed: 1 variant allele.
Comment: HYCC1: BP4, BP7

Labcorp Genetics (formerly Invitae), Labcorp
Classification: Benign for Hypomyelination and Congenital Cataract. Last evaluated: 2026-01-24. Review status: criteria provided, single submitter. Criteria: Invitae Variant Classification Sherloc (09022015). Collection method: clinical testing. Allele origin: germline.

Mayo Clinic Laboratories, Mayo Clinic
Classification: Benign. Last evaluated: 2024-06-05. Review status: criteria provided, single submitter. Criteria: ACMG Guidelines, 2015. Collection method: clinical testing. Allele origin: germline. Observed: 3 variant alleles.
Comment: BS1, BS2, BP4, BP7

Blueprint Genetics
Classification: Benign. Last evaluated: 2022-01-10. Review status: criteria provided, single submitter. Criteria: ACMG Guidelines, 2015. Collection method: clinical testing. Allele origin: germline.